The following is an entry in ClinVar:

ClinVar aggregate classification (germline): Uncertain significance (1 of 4 stars; one submission).

Conditions:
Combined immunodeficiency due to ZAP70 deficiency (IMD48). Also called: Immunodeficiency 48; ZAP70 Deficiency. Identifiers: Orphanet 911, MedGen C2931299, MONDO:0010023, OMIM 269840.

Submission:

Labcorp Genetics (formerly Invitae), Labcorp
Classification: Uncertain significance for Combined immunodeficiency due to ZAP70 deficiency. Last evaluated: 2019-04-18. Review status: criteria provided, single submitter. Criteria: Invitae Variant Classification Sherloc (09022015). Collection method: clinical testing. Allele origin: germline.
Comment: This sequence change affects codon 541 of the ZAP70 mRNA. It is a 'silent' change, meaning that it does not change the encoded amino acid sequence of the ZAP70 protein. This variant also falls at the last nucleotide of exon 12 of the ZAP70 coding sequence, which is part of the consensus splice site for this exon. This variant is not present in population databases (ExAC no frequency). This variant has not been reported in the literature in individuals with ZAP70-related conditions. Nucleotide substitutions within the consensus splice site are a relatively common cause of aberrant splicing (PMID: 17576681, 9536098). Algorithms developed to predict the effect of sequence changes on RNA splicing suggest that this variant may disrupt the consensus splice site, but this prediction has not been confirmed by published transcriptional studies. In summary, the available evidence is currently insufficient to determine the role of this variant in disease. Therefore, it has been classified as a Variant of Uncertain Significance.

Literature cited by the submitters: PubMed 17576681; PubMed 9536098.

NM_001079.4(ZAP70):c.1623G>A (p.Lys541=)

Gene: ZAP70 (zeta chain of T cell receptor associated protein kinase 70; plus strand). Cytogenetic location: 2q11.2.
Variant type: single nucleotide variant.
Coding change: c.1623G>A on transcript NM_001079.4 (MANE Select); coding-DNA position 1623, G replaced by A.
Protein change: p.Lys541=; no amino-acid change (lysine 541 retained).
Molecular consequence: synonymous variant.
Genome position (GRCh38, 1-based): chr2:97,737,897, G>A. VCF-style: chr2-97737897-G-A. GRCh37 (hg19) VCF-style: chr2-98354360-G-A.
Other names: c.1623G>A, p.Lys541= (NM_001378594.1); c.702G>A, p.Lys234= (NM_207519.2).
Identifiers: ClinVar variation 944278 (VCV000944278.8), dbSNP rs1677970142, ClinGen allele CA427818156.